The following is an entry in ClinVar:

ClinVar aggregate classification (germline): Uncertain significance (1 of 4 stars; one submission).

Submission:

Labcorp Genetics (formerly Invitae), Labcorp
Classification: Uncertain significance. Last evaluated: 2025-10-23. Review status: criteria provided, single submitter. Criteria: Invitae Variant Classification Sherloc (09022015). Collection method: clinical testing. Allele origin: germline.
Comment: This sequence change creates a premature translational stop signal (p.Glu34*) in the DTHD1 gene. It is expected to result in an absent or disrupted protein product. However, the current clinical and genetic evidence is not sufficient to establish whether loss-of-function variants in DTHD1 cause disease. This variant is not present in population databases (gnomAD no frequency). This variant has not been reported in the literature in individuals affected with DTHD1-related conditions. Algorithms developed to predict the effect of sequence changes on RNA splicing suggest that this variant may disrupt the consensus splice site. In summary, the available evidence is currently insufficient to determine the role of this variant in disease. Therefore, it has been classified as a Variant of Uncertain Significance.

NM_001170700.3(DTHD1):c.970G>T (p.Glu324Ter)

Gene: DTHD1 (death domain containing 1; plus strand). Cytogenetic location: 4p14.
Variant type: single nucleotide variant.
Coding change: c.970G>T on transcript NM_001170700.3 (MANE Select); coding-DNA position 970, G replaced by T.
Protein change: p.Glu324Ter; replaces glutamic acid 324 with a stop codon.
Molecular consequence: nonsense. On other transcripts: non-coding transcript variant (2).
Genome position (GRCh38, 1-based): chr4:36,290,455, G>T. VCF-style: chr4-36290455-G-T. GRCh37 (hg19) VCF-style: chr4-36292077-G-T.
Other names: c.100G>T, p.Glu34Ter (NM_001136536.5, NM_001378435.1); short protein forms E324*, E34*.
Identifiers: ClinVar variation 4729700 (VCV004729700.1).